The following is an entry in ClinVar:

NM_001379081.2(FREM1):c.3606C>G (p.Ser1202Arg)

Gene: FREM1 (FRAS1 related extracellular matrix 1; minus strand). Cytogenetic location: 9p22.3.
Variant type: single nucleotide variant.
Coding change: c.3606C>G on transcript NM_001379081.2 (MANE Select); coding-DNA position 3606, C replaced by G.
Protein change: p.Ser1202Arg; replaces serine 1202 with arginine.
Molecular consequence: missense variant. On other transcripts: non-coding transcript variant (2).
Genome position (GRCh38, 1-based): chr9:14,801,740, G>C on the plus strand (C>G on the coding strand, the complement: FREM1 is on the minus strand). VCF-style: chr9-14801740-G-C. GRCh37 (hg19) VCF-style: chr9-14801738-G-C.
Other names: c.3606C>G, p.Ser1202Arg (NM_144966.7); short protein forms S1202R.
Identifiers: ClinVar variation 366133 (VCV000366133.17), dbSNP rs16932300, ClinGen allele CA4990486.

ClinVar aggregate classification (germline): Benign. Review status: criteria provided, multiple submitters, no conflicts (2 of 4 stars). 7 submissions from 7 submitters: Benign (7). Last evaluated 2026-02-02.

Conditions:
Oculotrichoanal syndrome (MOTA). Also called: MARLES SYNDROME; Manitoba Oculotrichoanal (MOTA) Syndrome. Identifiers: Orphanet 2717, MedGen C1855425, MONDO:0009560, OMIM 248450.

Allele frequency attached by ClinVar (database versions not stated): gnomAD exomes 0.07644 and 0.09445; ExAC 0.09808; ESP Exome Variant Server 0.14213; gnomAD 0.14789 and 0.15197; TOPMed 0.15795; 1000 Genomes Project 0.16374; 1000 Genomes Project 30x 0.17099.
gnomAD v4.1: 135,311 of 1,613,552 alleles (8.4%); highest among the groups gnomAD compares: African/African-American, 33%; 8,640 homozygotes.

Submissions (7):

Labcorp Genetics (formerly Invitae), Labcorp
Classification: Benign. Last evaluated: 2026-02-02. Review status: criteria provided, single submitter. Criteria: Invitae Variant Classification Sherloc (09022015). Collection method: clinical testing. Allele origin: germline.

Blueprint Genetics
Classification: Benign. Last evaluated: 2024-11-27. Review status: criteria provided, single submitter. Criteria: ACMG Guidelines, 2015. Collection method: clinical testing. Allele origin: germline.

Mayo Clinic Laboratories, Mayo Clinic
Classification: Benign. Last evaluated: 2022-03-09. Review status: criteria provided, single submitter. Criteria: ACMG Guidelines, 2015. Collection method: clinical testing. Allele origin: germline. Observed: 16 variant alleles.

Genome-Nilou Lab
Classification: Benign for Oculotrichoanal syndrome. Last evaluated: 2021-08-10. Review status: criteria provided, single submitter. Criteria: ACMG Guidelines, 2015. Collection method: clinical testing. Allele origin: germline. Affected: no.

GeneDx
Classification: Benign. Last evaluated: 2021-05-04. Review status: criteria provided, single submitter. Criteria: GeneDx Variant Classification Process June 2021. Collection method: clinical testing. Allele origin: germline. Affected: yes.

Illumina Laboratory Services, Illumina
Classification: Benign for Oculotrichoanal syndrome. Last evaluated: 2018-01-13. Review status: criteria provided, single submitter. Criteria: ICSL Variant Classification Criteria 13 December 2019. Collection method: clinical testing. Allele origin: germline.
Comment: This variant was observed in the ICSL laboratory as part of a predisposition screen in an ostensibly healthy population. It had not been previously curated by ICSL or reported in the Human Gene Mutation Database (HGMD: prior to June 1st, 2018), and was therefore a candidate for classification through an automated scoring system. Utilizing variant allele frequency, disease prevalence and penetrance estimates, and inheritance mode, an automated score was calculated to assess if this variant is too frequent to cause the disease. Based on the score and internal cut-off values, a variant classified as benign is not then subjected to further curation. The score for this variant resulted in a classification of benign for this disease.

Breakthrough Genomics
Classification: Benign. Review status: criteria provided, single submitter. Criteria: ACMG Guidelines, 2015. Collection method: not provided. Allele origin: germline. Inheritance: Autosomal recessive inheritance. Affected: yes.